The following is an entry in ClinVar:

NM_014319.5(LEMD3):c.526C>A (p.Pro176Thr)

Gene: LEMD3 (LEM domain containing 3; plus strand). Cytogenetic location: 12q14.3.
Variant type: single nucleotide variant.
Coding change: c.526C>A on transcript NM_014319.5 (MANE Select); coding-DNA position 526, C replaced by A.
Protein change: p.Pro176Thr; replaces proline 176 with threonine.
Molecular consequence: missense variant.
Genome position (GRCh38, 1-based): chr12:65,170,122, C>A. VCF-style: chr12-65170122-C-A. GRCh37 (hg19) VCF-style: chr12-65563902-C-A.
Other names: c.526C>A, p.Pro176Thr (NM_001167614.2); short protein forms P176T.
Identifiers: ClinVar variation 3701517 (VCV003701517.4).

ClinVar aggregate classification (germline): Uncertain significance. Review status: criteria provided, multiple submitters, no conflicts (2 of 4 stars). 2 submissions from 2 submitters: Uncertain significance (2). Last evaluated 2025-11-24.

gnomAD v4.1: 1 of 1,458,606 alleles (0.000069%); highest among the groups gnomAD compares: Non-Finnish European, 0.00009%; no homozygotes.

Submissions (2):

Dasa
Classification: Uncertain significance. Last evaluated: 2025-11-24. Review status: criteria provided, single submitter. Criteria: DASA Assertion Criteria. Collection method: clinical testing. Allele origin: germline.
Comment: NM_014319.5(LEMD3):c.526C>A (p.Pro176Thr) is a missense variant that results in the substitution of proline with threonine. This variant is rare in population databases. Computational prediction algorithms are consistent with a benign effect. The currently available literature and clinical evidence are not sufficient to establish a definitive association between this variant and the reported condition. Therefore, this variant is classified as a variant of uncertain significance.

Labcorp Genetics (formerly Invitae), Labcorp
Classification: Uncertain significance. Last evaluated: 2024-09-05. Review status: criteria provided, single submitter. Criteria: Invitae Variant Classification Sherloc (09022015). Collection method: clinical testing. Allele origin: germline.
Comment: This sequence change replaces proline, which is neutral and non-polar, with threonine, which is neutral and polar, at codon 176 of the LEMD3 protein (p.Pro176Thr). This variant is not present in population databases (gnomAD no frequency). This variant has not been reported in the literature in individuals affected with LEMD3-related conditions. Invitae Evidence Modeling of protein sequence and biophysical properties (such as structural, functional, and spatial information, amino acid conservation, physicochemical variation, residue mobility, and thermodynamic stability) indicates that this missense variant is not expected to disrupt LEMD3 protein function with a negative predictive value of 80%. In summary, the available evidence is currently insufficient to determine the role of this variant in disease. Therefore, it has been classified as a Variant of Uncertain Significance.